The following is an entry in ClinVar:

ClinVar aggregate classification (germline): Conflicting classifications of pathogenicity. Review status: criteria provided, conflicting classifications (1 of 4 stars). 3 submissions from 3 submitters: Uncertain significance (2); Benign (1). Last evaluated 2026-08-08.

Conditions:
Myopathy, congenital, with structured cores and z-line abnormalities. Also called: MULTIPLE STRUCTURED CORE DISEASE; CONGENITAL MYOPATHY 8. Identifiers: MedGen C5231445, MONDO:0032852, OMIM 618654.
Myopathy, distal, 6, adult-onset, autosomal dominant. Identifiers: MedGen C5203349, MONDO:0032853, OMIM 618655.
Dilated cardiomyopathy 1AA (CMD1AA). Also called: CARDIOMYOPATHY, DILATED, 1AA, WITH OR WITHOUT LEFT VENTRICULAR NONCOMPACTION; CARDIOMYOPATHY, FAMILIAL HYPERTROPHIC, 23, WITH OR WITHOUT LEFT VENTRICULAR NONCOMPACTION; Cardiomyopathy, dilated, 1AA, with or without LVNC. Identifiers: Orphanet 154, MedGen C2677338, MONDO:0012808, OMIM 612158.
Cardiovascular phenotype. Identifiers: MedGen CN230736.
Primary familial hypertrophic cardiomyopathy (HCM). Identifiers: Orphanet 99739, MedGen C0949658, MeSH D024741, MONDO:0024573. Inheritance: Various modes of inheritance.

Allele frequency attached by ClinVar (database versions not stated): gnomAD 0.00001; TOPMed 0.00001; ExAC 0.00002; gnomAD exomes 0.00001 and 0.00004.
gnomAD v4.1: 21 of 1,614,040 alleles (0.0013%); highest among the groups gnomAD compares: Middle Eastern, 0.016%; no homozygotes.

Submissions (3):

Ambry Genetics
Classification: Uncertain significance for Cardiovascular phenotype. Last evaluated: 2026-08-08. Review status: criteria provided, single submitter. Criteria: Ambry Variant Classification Scheme 2023. Collection method: clinical testing. Allele origin: germline.
Comment: The p.A883V variant (also known as c.2648C>T), located in coding exon 21 of the ACTN2 gene, results from a C to T substitution at nucleotide position 2648. The alanine at codon 883 is replaced by valine, an amino acid with similar properties. This amino acid position is conserved. In addition, this alteration is predicted to be tolerated by in silico analysis. Based on the available evidence, the clinical significance of this variant remains unclear.

Labcorp Genetics (formerly Invitae), Labcorp
Classification: Benign for Primary familial hypertrophic cardiomyopathy; Dilated cardiomyopathy 1AA. Last evaluated: 2025-09-10. Review status: criteria provided, single submitter. Criteria: Invitae Variant Classification Sherloc (09022015). Collection method: clinical testing. Allele origin: germline.

Fulgent Genetics
Classification: Uncertain significance for Dilated cardiomyopathy 1AA; Myopathy, congenital, with structured cores and z-line abnormalities; Myopathy, distal, 6, adult-onset, autosomal dominant. Last evaluated: 2021-10-21. Review status: criteria provided, single submitter. Criteria: ACMG Guidelines, 2015. Collection method: clinical testing. Allele origin: unknown.

NM_001103.4(ACTN2):c.2648C>T (p.Ala883Val)

Gene: ACTN2 (actinin alpha 2; plus strand). Cytogenetic location: 1q43.
Variant type: single nucleotide variant.
Coding change: c.2648C>T on transcript NM_001103.4 (MANE Select); coding-DNA position 2648, C replaced by T.
Protein change: p.Ala883Val; replaces alanine 883 with valine.
Molecular consequence: missense variant.
Genome position (GRCh38, 1-based): chr1:236,762,582, C>T. VCF-style: chr1-236762582-C-T. GRCh37 (hg19) VCF-style: chr1-236925882-C-T.
Other names: c.2648C>T, p.Ala883Val (NM_001278343.2); c.2024C>T, p.Ala675Val (NM_001278344.2); c.2648C>T (NM_001103.2); short protein forms A675V, A883V.
Identifiers: ClinVar variation 963586 (VCV000963586.12), dbSNP rs769564893, ClinGen allele CA1473506.